The following is an entry in ClinVar:

NM_015272.5(RPGRIP1L):c.3828T>C (p.Asn1276=)

Gene: RPGRIP1L (RPGRIP1 like; minus strand). Cytogenetic location: 16q12.2.
Variant type: single nucleotide variant.
Coding change: c.3828T>C on transcript NM_015272.5 (MANE Select); coding-DNA position 3828, T replaced by C.
Protein change: p.Asn1276=; no amino-acid change (asparagine 1276 retained).
Molecular consequence: synonymous variant.
Genome position (GRCh38, 1-based): chr16:53,605,488, A>G on the plus strand (T>C on the coding strand, the complement: RPGRIP1L is on the minus strand). VCF-style: chr16-53605488-A-G. GRCh37 (hg19) VCF-style: chr16-53639400-A-G.
Other names: c.3828T>C (NM_015272.4); c.3588T>C, p.Asn1196= (NM_001127897.4); c.3690T>C, p.Asn1230= (NM_001308334.3); c.3726T>C, p.Asn1242= (NM_001330538.2).
Identifiers: ClinVar variation 1116566 (VCV001116566.10), dbSNP rs1432386308, ClinGen allele CA495536764.
Genomic context (GRCh38, chr16:53,605,488, plus strand): 5'-TTGGAGTTCAGCAATTGTTGGTTGCACAAACTGAGCAACACTTTCACCCATACCATCGAT[A>G]TTTTGCTCAATGAGGTCCCTCCCTTCCTGAAACATGTCGGCAAGGTCGACGTGAGCCACG-3'
Protein context (NP_056087.2, residues 1266-1286): FQEGRDLIEQ[Asn1276=]IDVFDARADG

ClinVar aggregate classification (germline): Likely benign. Review status: criteria provided, single submitter (1 of 4 stars). 2 submissions from 2 submitters: Likely benign (1). 1 of the submissions does not count toward it. Last evaluated 2023-06-23.

Conditions:
RPGRIP1L-related disorder. Also called: RPGRIP1L-related disorders; RPGRIP1L-related condition. Identifiers: MedGen CN239416.
Meckel-Gruber syndrome. Also called: DYSENCEPHALIA SPLANCHNOCYSTICA; GRUBER SYNDROME; Dysencephalia splachnocystica. Identifiers: Orphanet 564, MedGen C0265215, MONDO:0018921.
Joubert syndrome. Also called: Familial aplasia of the vermis; JOUBERT-BOLTSHAUSER SYNDROME. Identifiers: Orphanet 475, MedGen C5979921, MONDO:0018772.

Allele frequency attached by ClinVar (database versions not stated): gnomAD exomes below 0.00001; TOPMed below 0.00001; gnomAD 0.00001.
gnomAD v4.1: 2 of 1,613,970 alleles (0.00012%); highest among the groups gnomAD compares: Admixed American, 0.0017%; no homozygotes.

Submissions (2):

Labcorp Genetics (formerly Invitae), Labcorp
Classification: Likely benign for Joubert syndrome; Meckel-Gruber syndrome. Last evaluated: 2023-06-23. Review status: criteria provided, single submitter. Criteria: Invitae Variant Classification Sherloc (09022015). Collection method: clinical testing. Allele origin: germline.

PreventionGenetics, part of Exact Sciences
Classification: Likely benign for RPGRIP1L-related condition. Last evaluated: 2022-06-27. Review status: no assertion criteria provided. Collection method: clinical testing. Allele origin: germline. Not counted in ClinVar's aggregate classification.
Comment: This variant is classified as likely benign based on ACMG/AMP sequence variant interpretation guidelines (Richards et al. 2015 PMID: 25741868, with internal and published modifications).